The following is an entry in ClinVar:

ClinVar aggregate classification (germline): Uncertain significance (1 of 4 stars; one submission).

Conditions:
Muscular dystrophy-dystroglycanopathy (congenital with brain and eye anomalies), type a, 8 (MDDGA8). Also called: WALKER-WARBURG SYNDROME OR MUSCLE-EYE-BRAIN DISEASE, GTDC2-RELATED. Identifiers: Orphanet 899, MedGen C3553813, MONDO:0013904, OMIM 614830.

Submission:

Labcorp Genetics (formerly Invitae), Labcorp
Classification: Uncertain significance for Muscular dystrophy-dystroglycanopathy (congenital with brain and eye anomalies), type a, 8. Last evaluated: 2020-03-18. Review status: criteria provided, single submitter. Criteria: Invitae Variant Classification Sherloc (09022015). Collection method: clinical testing. Allele origin: germline.
Comment: In summary, the available evidence is currently insufficient to determine the role of this variant in disease. Therefore, it has been classified as a Variant of Uncertain Significance. Algorithms developed to predict the effect of missense changes on protein structure and function output the following: SIFT: "Tolerated"; PolyPhen-2: "Benign"; Align-GVGD: "Class C0". The glutamine amino acid residue is found in multiple mammalian species, suggesting that this missense change does not adversely affect protein function. These predictions have not been confirmed by published functional studies and their clinical significance is uncertain. This variant has not been reported in the literature in individuals with POMGNT2-related conditions. This variant is not present in population databases (ExAC no frequency). This sequence change replaces histidine with glutamine at codon 279 of the POMGNT2 protein (p.His279Gln). The histidine residue is moderately conserved and there is a small physicochemical difference between histidine and glutamine.

NM_032806.6(POMGNT2):c.837C>G (p.His279Gln)

Gene: POMGNT2 (protein O-linked mannose N-acetylglucosaminyltransferase 2 (beta 1,4-); minus strand). Cytogenetic location: 3p22.1.
Variant type: single nucleotide variant.
Coding change: c.837C>G on transcript NM_032806.6 (MANE Select); coding-DNA position 837, C replaced by G.
Protein change: p.His279Gln; replaces histidine 279 with glutamine.
Molecular consequence: missense variant.
Genome position (GRCh38, 1-based): chr3:43,080,595, G>C on the plus strand (C>G on the coding strand, the complement: POMGNT2 is on the minus strand). VCF-style: chr3-43080595-G-C. GRCh37 (hg19) VCF-style: chr3-43122087-G-C.
Other names: short protein forms H279Q.
Identifiers: ClinVar variation 1024447 (VCV001024447.5), dbSNP rs2089842075, ClinGen allele CA352302398.